The following is an entry in ClinVar:

NM_005359.6(SMAD4):c.1219G>A (p.Val407Ile)

Gene: SMAD4 (SMAD family member 4; plus strand). Cytogenetic location: 18q21.2.
Variant type: single nucleotide variant.
Coding change: c.1219G>A on transcript NM_005359.6 (MANE Select); coding-DNA position 1219, G replaced by A.
Protein change: p.Val407Ile; replaces valine 407 with isoleucine.
Molecular consequence: missense variant. On other transcripts: non-coding transcript variant (1).
Genome position (GRCh38, 1-based): chr18:51,067,098, G>A. VCF-style: chr18-51067098-G-A. GRCh37 (hg19) VCF-style: chr18-48593468-G-A.
Other names: c.1219G>A, p.Val407Ile (NM_001407041.1, NM_001407042.1); short protein forms V407I.
Identifiers: ClinVar variation 3445841 (VCV003445841.1).

ClinVar aggregate classification (germline): Uncertain significance (1 of 4 stars; one submission).

Conditions:
Familial thoracic aortic aneurysm and aortic dissection (TAAD). Also called: Thoracic aortic aneurysms and dissections. Identifiers: Orphanet 91387, MedGen C4707243, MONDO:0019625.
Hereditary cancer-predisposing syndrome. Also called: Tumor predisposition; Neoplastic Syndromes, Hereditary; Hereditary neoplastic syndrome; Hereditary Cancer Syndrome. Identifiers: Orphanet 140162, MedGen C0027672, MeSH D009386, MONDO:0015356.

gnomAD v4.1: 1 of 1,612,162 alleles (0.000062%); highest among the groups gnomAD compares: Non-Finnish European, 0.000085%; no homozygotes.

Submission:

Ambry Genetics
Classification: Uncertain significance for Hereditary cancer-predisposing syndrome; Familial thoracic aortic aneurysm and aortic dissection. Last evaluated: 2024-07-22. Review status: criteria provided, single submitter. Criteria: Ambry Variant Classification Scheme 2023. Collection method: clinical testing. Allele origin: germline.
Comment: The p.V407I variant (also known as c.1219G>A), located in coding exon 9 of the SMAD4 gene, results from a G to A substitution at nucleotide position 1219. The valine at codon 407 is replaced by isoleucine, an amino acid with highly similar properties. This amino acid position is highly conserved in available vertebrate species. In addition, this alteration is predicted to be deleterious by in silico analysis. Based on the available evidence, the clinical significance of this variant remains unclear.